The following is an entry in ClinVar:

NM_000077.5(CDKN2A):c.150+70T>A

Gene: CDKN2A (cyclin dependent kinase inhibitor 2A; minus strand). Cytogenetic location: 9p21.3.
Variant type: single nucleotide variant.
Coding change: c.150+70T>A on transcript NM_000077.5 (MANE Select); 70 bases into the intron after coding-DNA position 150, T replaced by A.
Molecular consequence: intron variant. On other transcripts: missense variant (1).
Genome position (GRCh38, 1-based): chr9:21,974,608, A>T on the plus strand (T>A on the coding strand, the complement: CDKN2A is on the minus strand). VCF-style: chr9-21974608-A-T. GRCh37 (hg19) VCF-style: chr9-21974607-A-T.
Other names: c.220T>A, p.Leu74Met (NM_058197.5); c.-3-3400T>A (NM_001363763.2); c.194-3400T>A (NM_058195.4); c.150+70T>A (NM_001195132.2); short protein forms L74M.
Identifiers: ClinVar variation 3597239 (VCV003597239.2).

ClinVar aggregate classification (germline): Conflicting classifications of pathogenicity. Review status: criteria provided, conflicting classifications (1 of 4 stars). 2 submissions from 2 submitters: Uncertain significance (1); Likely benign (1). Last evaluated 2026-01-06.

Conditions:
Melanoma-pancreatic cancer syndrome. Identifiers: Orphanet 404560, MedGen C1838547, MONDO:0011713, OMIM 606719. Disease mechanism: loss of function.
Melanoma, cutaneous malignant, susceptibility to, 2 (CMM2). Also called: CDKN2A-Related Cutaneous Malignant Melanoma; Cutaneous malignant melanoma 2. Identifiers: Orphanet 618, MedGen C1835044, MONDO:0007964, OMIM 155601.
Melanoma and neural system tumor syndrome. Also called: MELANOMA-ASTROCYTOMA SYNDROME. Identifiers: Orphanet 252206, MedGen C1835042, MONDO:0007967, OMIM 155755.
CDKN2A-related disorder. Also called: CDKN2A-related condition.

gnomAD v4.1: 51 of 1,614,034 alleles (0.0032%); highest among the groups gnomAD compares: South Asian, 0.051%; 1 homozygote.

Submissions (2):

PreventionGenetics, part of Exact Sciences
Classification: Likely benign for CDKN2A-related condition. Last evaluated: 2026-01-06. Review status: criteria provided, single submitter. Criteria: ACMG Guidelines, 2015. Collection method: clinical testing. Allele origin: germline.
Comment: This variant is classified as likely benign based on ACMG/AMP sequence variant interpretation guidelines (Richards et al. 2015 PMID: 25741868, with internal and published modifications).

Fulgent Genetics
Classification: Uncertain significance for Melanoma, cutaneous malignant, susceptibility to, 2; Melanoma and neural system tumor syndrome; Melanoma-pancreatic cancer syndrome. Last evaluated: 2024-03-07. Review status: criteria provided, single submitter. Criteria: ACMG Guidelines, 2015. Collection method: clinical testing. Allele origin: germline.